The following is an entry in ClinVar:

ClinVar aggregate classification (germline): Uncertain significance (1 of 4 stars; one submission).

gnomAD v4.1: 4 of 1,613,946 alleles (0.00025%); highest among the groups gnomAD compares: East Asian, 0.0022%; no homozygotes.

Submission:

Labcorp Genetics (formerly Invitae), Labcorp
Classification: Uncertain significance. Last evaluated: 2022-10-14. Review status: criteria provided, single submitter. Criteria: Invitae Variant Classification Sherloc (09022015). Collection method: clinical testing. Allele origin: germline.
Comment: In summary, the available evidence is currently insufficient to determine the role of this variant in disease. Therefore, it has been classified as a Variant of Uncertain Significance. Advanced modeling of protein sequence and biophysical properties (such as structural, functional, and spatial information, amino acid conservation, physicochemical variation, residue mobility, and thermodynamic stability) performed at Invitae indicates that this missense variant is not expected to disrupt FAT2 protein function. This variant has not been reported in the literature in individuals affected with FAT2-related conditions. This variant is present in population databases (rs745987151, gnomAD 0.006%). This sequence change replaces serine, which is neutral and polar, with tryptophan, which is neutral and slightly polar, at codon 3094 of the FAT2 protein (p.Ser3094Trp).

NM_001447.3(FAT2):c.9281C>G (p.Ser3094Trp)

Genes: FAT2 (FAT atypical cadherin 2; minus strand), SLC36A1 (solute carrier family 36 member 1; plus strand). Cytogenetic location: 5q33.1.
Variant type: single nucleotide variant.
Coding change: c.9281C>G on transcript NM_001447.3 (MANE Select); coding-DNA position 9281, C replaced by G.
Protein change: p.Ser3094Trp; replaces serine 3094 with tryptophan.
Molecular consequence: missense variant.
Genome position (GRCh38, 1-based): chr5:151,534,555, G>C on the plus strand (C>G on the coding strand, the complement: FAT2 is on the minus strand). VCF-style: chr5-151534555-G-C. GRCh37 (hg19) VCF-style: chr5-150914116-G-C.
Other names: short protein forms S3094W.
Identifiers: ClinVar variation 2165632 (VCV002165632.4), dbSNP rs745987151, ClinGen allele CA3520602.